The following is an entry in ClinVar:

ClinVar aggregate classification (germline): Pathogenic (1 of 4 stars; one submission).

Conditions:
Ehlers-Danlos syndrome due to tenascin-X deficiency (EDSCLL1). Also called: Ehlers-Danlos syndrome, classic-like, 1; EHLERS-DANLOS SYNDROME, CLASSIC-LIKE; TNXB-Related Classical-Like Ehlers-Danlos Syndrome; EDS DUE TO TNX DEFICIENCY; TNX DEFICIENCY. Identifiers: Orphanet 230839, MedGen C1848029, MONDO:0011670, OMIM 606408.

Submission:

Myriad Genetics, Inc.
Classification: Pathogenic for Ehlers-Danlos syndrome due to tenascin-X deficiency. Last evaluated: 2025-03-08. Review status: criteria provided, single submitter. Criteria: Myriad Autosomal Dominant, Autosomal Recessive and X-Linked Classification Criteria (2023). Collection method: clinical testing. Allele origin: unknown.
Comment: NM_019105.6(TNXB):c.8749C>T(Q2917*) is expected to be pathogenic in the context of classical-like Ehlers-Danlos syndrome, TNXB-related. This variant is predicted to lead to an abnormal or absent protein product due to the creation of a premature termination codon in TNXB, a gene where loss-of-function variants are known to be pathogenic. Please note: this variant was assessed in the context of healthy population screening.

NM_001365276.2(TNXB):c.8755C>T (p.Gln2919Ter)

Gene: TNXB (tenascin XB; minus strand). Cytogenetic location: 6p21.33.
Variant type: single nucleotide variant.
Coding change: c.8755C>T on transcript NM_001365276.2 (MANE Select); coding-DNA position 8755, C replaced by T.
Protein change: p.Gln2919Ter; replaces glutamine 2919 with a stop codon.
Molecular consequence: nonsense.
Genome position (GRCh38, 1-based): chr6:32,053,424, G>A on the plus strand (C>T on the coding strand, the complement: TNXB is on the minus strand). VCF-style: chr6-32053424-G-A. GRCh37 (hg19) VCF-style: chr6-32021201-G-A.
Other names: c.9496C>T, p.Gln3166Ter (NM_001428335.1); c.8749C>T, p.Gln2917Ter (NM_019105.8); short protein forms Q2917*, Q2919*, Q3166*.
Identifiers: ClinVar variation 5014190 (VCV005014190.1).